The following is an entry in ClinVar:

NM_144997.7(FLCN):c.987CTC[1] (p.Ser331del)

Gene: FLCN (folliculin; minus strand). Cytogenetic location: 17p11.2.
Variant type: Microsatellite.
Coding change: c.987CTC[1] on transcript NM_144997.7 (MANE Select); one copy of the 3-base unit CTC starting at c.987; the reference has two copies in a row; one copy, 3 bases deleted; also written c.990_992del.
Protein change: p.Ser331del; deletes serine 331.
Molecular consequence: inframe deletion.
Genome position (GRCh38, 1-based): chr17:17,219,089-17,219,091, GAG deleted on the plus strand (CTC on the coding strand, the reverse complement: FLCN is on the minus strand); deleting any 3 consecutive bases within chr17:17,219,089-17,219,096 gives the same sequence; the position shown is the placement nearest the transcript's 3' end. VCF-style (leftmost placement, unchanged base first): chr17-17219088-AGAG-A. GRCh37 (hg19) VCF-style: chr17-17122402-AGAG-A.
Other names: c.990_992del (NM_144997.5); c.990_992delCTC (NM_144997.5); c.1041CTC[1], p.Ser349del (NM_001353229.2); c.987CTC[1], p.Ser331del (NM_001353230.2, NM_001353231.2); short protein forms S349del, S331del.
Identifiers: ClinVar variation 1522494 (VCV001522494.9), dbSNP rs1479261883, ClinGen allele CA645592353.
Genomic context (GRCh38, chr17:17,219,088, plus strand): 5'-GTGCCGGAGGGACTTGAAGACTGGCAGCTTCCGGGGCTGCCAGCTCCCACAGCCTGAGAG[AGAG>A]GAGGACTCTGCCGGGCCCTGGGTCAGCTCCCGCCCTTCTGTACTCTCTGGCAACACAGGG-3'

ClinVar aggregate classification (germline): Uncertain significance. Review status: criteria provided, multiple submitters, no conflicts (2 of 4 stars). 3 submissions from 3 submitters: Uncertain significance (3). Last evaluated 2024-05-30.

Conditions:
Hereditary cancer-predisposing syndrome. Also called: Tumor predisposition; Hereditary neoplastic syndrome; Neoplastic Syndromes, Hereditary; Hereditary Cancer Syndrome. Identifiers: Orphanet 140162, MedGen C0027672, MeSH D009386, MONDO:0015356.
Birt-Hogg-Dube syndrome. Also called: Birt Hogg Dubé syndrome. Identifiers: Orphanet 122, MedGen C0346010, MONDO:0800444.

Submissions (3):

GeneDx
Classification: Uncertain significance. Last evaluated: 2024-05-30. Review status: criteria provided, single submitter. Criteria: GeneDx Variant Classification Process June 2021. Collection method: clinical testing. Allele origin: germline. Affected: yes.
Comment: In-frame deletion of 1 amino acid in a non-repeat region; Not observed at significant frequency in large population cohorts (gnomAD); In silico analysis supports a deleterious effect on protein structure/function; Has not been previously published as pathogenic or benign to our knowledge

Ambry Genetics
Classification: Uncertain significance for Hereditary cancer-predisposing syndrome. Last evaluated: 2023-04-25. Review status: criteria provided, single submitter. Criteria: Ambry Variant Classification Scheme 2023. Collection method: clinical testing. Allele origin: germline.
Comment: The c.990_992delCTC variant (also known as p.S330del) is located in coding exon 6 of the FLCN gene. This variant results from an in-frame CTC deletion at nucleotide positions 990 to 992. This results in the in-frame deletion of a serine at codon 330. This amino acid position is well conserved in available vertebrate species. In addition, this alteration is predicted to be neutral by in silico analysis (Choi Y et al. PLoS ONE. 2012; 7(10):e46688). Since supporting evidence is limited at this time, the clinical significance of this alteration remains unclear.

Labcorp Genetics (formerly Invitae), Labcorp
Classification: Uncertain significance for Birt-Hogg-Dube syndrome. Last evaluated: 2021-09-01. Review status: criteria provided, single submitter. Criteria: Invitae Variant Classification Sherloc (09022015). Collection method: clinical testing. Allele origin: germline.
Comment: This variant, c.990_992del, results in the deletion of 1 amino acid(s) of the FLCN protein (p.Ser331del), but otherwise preserves the integrity of the reading frame. This variant is not present in population databases (ExAC no frequency). This variant has not been reported in the literature in individuals affected with FLCN-related conditions. In summary, the available evidence is currently insufficient to determine the role of this variant in disease. Therefore, it has been classified as a Variant of Uncertain Significance. Experimental studies and prediction algorithms are not available or were not evaluated, and the functional significance of this variant is currently unknown.